The following is an entry in ClinVar:

NM_000642.3(AGL):c.2506G>A (p.Glu836Lys)

Gene: AGL (amylo-alpha-1,6-glucosidase and 4-alpha-glucanotransferase; plus strand). Cytogenetic location: 1p21.2.
Variant type: single nucleotide variant.
Coding change: c.2506G>A on transcript NM_000642.3 (MANE Select); coding-DNA position 2506, G replaced by A.
Protein change: p.Glu836Lys; replaces glutamic acid 836 with lysine.
Molecular consequence: missense variant.
Genome position (GRCh38, 1-based): chr1:99,884,411, G>A. VCF-style: chr1-99884411-G-A. GRCh37 (hg19) VCF-style: chr1-100349967-G-A.
Other names: c.2506G>A, p.Glu836Lys (NM_000028.3, NM_000643.3, NM_000644.3 and 2 more transcripts); c.2458G>A, p.Glu820Lys (NM_000646.3); c.2305G>A, p.Glu769Lys (NM_001425327.1); c.2302G>A, p.Glu768Lys (NM_001425328.1, NM_001425329.1); c.2128G>A, p.Glu710Lys (NM_001425332.1); short protein forms E836K, E820K, E710K, E768K, E769K.
Identifiers: ClinVar variation 456473 (VCV000456473.7), dbSNP rs781573434, ClinGen allele CA966803.

ClinVar aggregate classification (germline): Uncertain significance. Review status: criteria provided, multiple submitters, no conflicts (2 of 4 stars). 3 submissions from 3 submitters: Uncertain significance (2). 1 of the submissions does not count toward it. Last evaluated 2024-06-22.

Conditions:
Inborn genetic diseases. Identifiers: MedGen C0950123, MeSH D030342.
Glycogen storage disease type III (GSD3). Also called: FORBES DISEASE; Cori disease. Identifiers: Orphanet 366, MedGen C0017922, MONDO:0009291, OMIM 232400.

Allele frequency attached by ClinVar (database versions not stated): ExAC 0.00001; TOPMed 0.00001; gnomAD exomes 0.00002.
gnomAD v4.1: 11 of 1,612,798 alleles (0.00068%); highest among the groups gnomAD compares: East Asian, 0.0067%; no homozygotes.

Submissions (3):

Ambry Genetics
Classification: Uncertain significance for Inborn genetic diseases. Last evaluated: 2024-06-22. Review status: criteria provided, single submitter. Criteria: Ambry Variant Classification Scheme 2023. Collection method: clinical testing. Allele origin: germline.

Labcorp Genetics (formerly Invitae), Labcorp
Classification: Uncertain significance for Glycogen storage disease type III. Last evaluated: 2022-07-19. Review status: criteria provided, single submitter. Criteria: Invitae Variant Classification Sherloc (09022015). Collection method: clinical testing. Allele origin: germline.
Comment: This sequence change replaces glutamic acid, which is acidic and polar, with lysine, which is basic and polar, at codon 836 of the AGL protein (p.Glu836Lys). This variant is present in population databases (rs781573434, gnomAD 0.02%). This variant has not been reported in the literature in individuals affected with AGL-related conditions. ClinVar contains an entry for this variant (Variation ID: 456473). Algorithms developed to predict the effect of missense changes on protein structure and function (SIFT, PolyPhen-2, Align-GVGD) all suggest that this variant is likely to be tolerated. In summary, the available evidence is currently insufficient to determine the role of this variant in disease. Therefore, it has been classified as a Variant of Uncertain Significance.

Natera, Inc.
Classification: Uncertain significance for Glycogen storage disease type III. Last evaluated: 2019-10-28. Review status: no assertion criteria provided. Collection method: clinical testing. Allele origin: germline. Not counted in ClinVar's aggregate classification.